The following is an entry in ClinVar:

NM_000070.3(CAPN3):c.286del (p.Gln96fs)

Gene: CAPN3 (calpain 3; plus strand). Cytogenetic location: 15q15.1.
Variant type: Deletion.
Coding change: c.286del on transcript NM_000070.3 (MANE Select); coding-DNA position 286, one base deleted (C; older notation c.286delC).
Protein change: p.Gln96fs; shifts the reading frame from glutamine 96.
Molecular consequence: frameshift variant.
Genome position (GRCh38, 1-based): chr15:42,360,091, C deleted; the last of 2 consecutive C bases (chr15:42,360,090-42,360,091); deleting either gives the same sequence. VCF-style (leftmost placement, unchanged base first): chr15-42360089-TC-T. GRCh37 (hg19) VCF-style: chr15-42652287-TC-T.
Other names: c.286del, p.Gln96fs (NM_024344.2, NM_173087.2); short protein forms Q96fs.
Identifiers: ClinVar variation 4886492 (VCV004886492.2).

ClinVar aggregate classification (germline): Likely pathogenic (1 of 4 stars; one submission).

Submission:

Dasa
Classification: Likely pathogenic. Last evaluated: 2026-02-26. Review status: criteria provided, single submitter. Criteria: DASA Assertion Criteria. Collection method: clinical testing. Allele origin: germline.
Comment: NM_000070.3(CAPN3):c.286del (p.Gln96Serfs*31) is a frameshift variant in CAPN3 predicted to alter the reading frame and introduce a premature termination codon and is predicted to result in an absent or altered protein product. Loss of function is an established disease mechanism for CAPN3-associated disorders. Also, this variant is absent from population databases. Based on the currently available evidence, this variant is classified as likely pathogenic.